The following is an entry in ClinVar:

NM_005338.7(HIP1):c.2004C>T (p.Ile668=)

Gene: HIP1 (huntingtin interacting protein 1; minus strand). Cytogenetic location: 7q11.23.
Variant type: single nucleotide variant.
Coding change: c.2004C>T on transcript NM_005338.7 (MANE Select); coding-DNA position 2004, C replaced by T.
Protein change: p.Ile668=; no amino-acid change (isoleucine 668 retained).
Molecular consequence: synonymous variant.
Genome position (GRCh38, 1-based): chr7:75,554,486, G>A on the plus strand (C>T on the coding strand, the complement: HIP1 is on the minus strand). VCF-style: chr7-75554486-G-A. GRCh37 (hg19) VCF-style: chr7-75183785-G-A.
Other names: c.2004C>T, p.Ile668= (NM_001243198.3); c.1902C>T, p.Ile634= (NM_001382444.1); c.1917C>T, p.Ile639= (NM_001382445.1).
Identifiers: ClinVar variation 3050231 (VCV003050231.3), dbSNP rs1332959578, ClinGen allele CA455762765.

ClinVar aggregate classification (germline): Likely benign. Review status: criteria provided, single submitter (1 of 4 stars). 2 submissions from 2 submitters: Likely benign (1). 1 of the submissions does not count toward it.

Conditions:
HIP1-related disorder. Also called: HIP1-related condition.

Allele frequency attached by ClinVar (database versions not stated): TOPMed below 0.00001.
gnomAD v4.1: 11 of 1,613,836 alleles (0.00068%); highest among the groups gnomAD compares: South Asian, 0.0011%; no homozygotes.

Submissions (2):

Breakthrough Genomics
Classification: Likely benign. Review status: criteria provided, single submitter. Criteria: ACMG Guidelines, 2015. Collection method: not provided. Allele origin: germline. Inheritance: Unknown mechanism. Affected: yes.

PreventionGenetics, part of Exact Sciences
Classification: Likely benign for HIP1-related condition. Last evaluated: 2019-07-12. Review status: no assertion criteria provided. Collection method: clinical testing. Allele origin: germline. Not counted in ClinVar's aggregate classification.
Comment: This variant is classified as likely benign based on ACMG/AMP sequence variant interpretation guidelines (Richards et al. 2015 PMID: 25741868, with internal and published modifications).